The following is an entry in ClinVar:

NM_000709.4(BCKDHA):c.1312T>C (p.Tyr438His)

Gene: BCKDHA (branched chain keto acid dehydrogenase E1 subunit alpha; plus strand). Cytogenetic location: 19q13.2.
Variant type: single nucleotide variant.
Coding change: c.1312T>C on transcript NM_000709.4 (MANE Select); coding-DNA position 1312, T replaced by C.
Protein change: p.Tyr438His; replaces tyrosine 438 with histidine.
Molecular consequence: missense variant.
Genome position (GRCh38, 1-based): chr19:41,424,582, T>C. VCF-style: chr19-41424582-T-C. GRCh37 (hg19) VCF-style: chr19-41930487-T-C.
Other names: c.1309T>C, p.Tyr437His (NM_001164783.2); short protein forms Y437H, Y438H.
Identifiers: ClinVar variation 1344509 (VCV001344509.6), dbSNP rs137852870, ClinGen allele CA406015686.

ClinVar aggregate classification (germline): Pathogenic/Likely pathogenic. Review status: criteria provided, multiple submitters, no conflicts (2 of 4 stars). 3 submissions from 3 submitters: Pathogenic (1); Likely pathogenic (1). 1 of the submissions does not count toward it.

Conditions:
Maple syrup urine disease (MSUD). Identifiers: Orphanet 511, MedGen C0024776, MeSH D008375, MONDO:0009563. Disease mechanism: loss of function.
Maple syrup urine disease type 1A (MSUD1A). Also called: MSUD type 1A. Identifiers: MedGen C1855369, MONDO:0023691, OMIM 248600.

Submissions (3):

Neuberg Centre For Genomic Medicine, NCGM
Classification: Pathogenic for Maple syrup urine disease type 1A. Review status: criteria provided, single submitter. Criteria: ACMG Guidelines, 2015. Collection method: clinical testing. Allele origin: germline. Inheritance: Autosomal recessive inheritance. Affected: yes.
Comment: The p.Y438H mutation appears to preclude the Hbond interaction of Y438 and is expected to destabilize the structure assembly. The BCKDHA Y438 residue is one of the most frequently affected residue in MSUD patients (Bashyam et al., 2012). A different pathogenic missense variant p.Tyr438Asn has been reported at the same position in patients affected with MSUD (Strauss KA, et al., 2006). This variant is novel (not in any individuals) in gnomAD Exomes and 1000 Genomes. It is submitted to ClinVar as Likely Pathogenic. The amino acid Tyrosine at position 438 is changed to a Histidine changing protein sequence and it might alter its composition and physico-chemical properties. Multiple lines of computational evidence (Polyphen-Damaging, SIFT-Damaging and MutationTaster - Disease causing) predict a damaging effect on protein structure and function for this variant. The amino acid change p.Tyr438His in BCKDHA is predicted as conserved by GERP++ and PhyloP across 100 vertebrates. For these reasons, this variant has been classified as Pathogenic.

Suma Genomics
Classification: Likely pathogenic for Maple syrup urine disease type 1A. Review status: criteria provided, single submitter. Criteria: ACMG Guidelines, 2015. Collection method: clinical testing. Allele origin: unknown. Inheritance: Autosomal recessive inheritance. Affected: yes.

Kasturba Medical College, Manipal, Kasturba Medical College, Manipal, Manipal Academy of Higher Education, Manipal, India
Classification: Likely pathogenic for Maple syrup urine disease type 1A. Review status: no assertion criteria provided. Collection method: clinical testing. Allele origin: germline. Inheritance: Autosomal recessive inheritance. Affected: yes. Not counted in ClinVar's aggregate classification.